The following is an entry in ClinVar:

NM_006514.4(SCN10A):c.1066G>A (p.Asp356Asn)

Gene: SCN10A (sodium voltage-gated channel alpha subunit 10; minus strand). Cytogenetic location: 3p22.2.
Variant type: single nucleotide variant.
Coding change: c.1066G>A on transcript NM_006514.4 (MANE Select); coding-DNA position 1066, G replaced by A.
Protein change: p.Asp356Asn; replaces aspartic acid 356 with asparagine.
Molecular consequence: missense variant.
Genome position (GRCh38, 1-based): chr3:38,757,044, C>T on the plus strand (G>A on the coding strand, the complement: SCN10A is on the minus strand). VCF-style: chr3-38757044-C-T. GRCh37 (hg19) VCF-style: chr3-38798535-C-T.
Other names: c.1066G>A, p.Asp356Asn (NM_001293306.2, NM_001293307.2); short protein forms D356N.
Identifiers: ClinVar variation 1781951 (VCV001781951.4), dbSNP rs760073097, ClinGen allele CA2320987.

ClinVar aggregate classification (germline): Uncertain significance. Review status: criteria provided, multiple submitters, no conflicts (2 of 4 stars). 2 submissions from 2 submitters: Uncertain significance (2). Last evaluated 2023-09-24.

Conditions:
Cardiovascular phenotype. Identifiers: MedGen CN230736.
Brugada syndrome. Also called: Sudden unexpected nocturnal death syndrome; Sudden unexplained nocturnal death syndrome; Sudden Unexplained Death Syndrome; Sudden Unexplained Nocturnal Death Syndrome (SUNDS). Identifiers: Orphanet 130, MedGen C1142166, MONDO:0015263.

Allele frequency attached by ClinVar (database versions not stated): TOPMed below 0.00001; ExAC 0.00001; gnomAD exomes 0.00001.
gnomAD v4.1: 3 of 1,612,586 alleles (0.00019%); highest among the groups gnomAD compares: Admixed American, 0.005%; no homozygotes.

Submissions (2):

Ambry Genetics
Classification: Uncertain significance for Cardiovascular phenotype. Last evaluated: 2023-09-24. Review status: criteria provided, single submitter. Criteria: Ambry Variant Classification Scheme 2023. Collection method: clinical testing. Allele origin: germline.
Comment: The p.D356N variant (also known as c.1066G>A), located in coding exon 8 of the SCN10A gene, results from a G to A substitution at nucleotide position 1066. The aspartic acid at codon 356 is replaced by asparagine, an amino acid with highly similar properties. This amino acid position is highly conserved in available vertebrate species. In addition, the in silico prediction for this alteration is inconclusive. Since supporting evidence is limited at this time, the clinical significance of this alteration remains unclear.

Labcorp Genetics (formerly Invitae), Labcorp
Classification: Uncertain significance for Brugada syndrome. Last evaluated: 2022-06-10. Review status: criteria provided, single submitter. Criteria: Invitae Variant Classification Sherloc (09022015). Collection method: clinical testing. Allele origin: germline.
Comment: This sequence change replaces aspartic acid, which is acidic and polar, with asparagine, which is neutral and polar, at codon 356 of the SCN10A protein (p.Asp356Asn). This variant is present in population databases (rs760073097, gnomAD 0.009%). This variant has not been reported in the literature in individuals affected with SCN10A-related conditions. Advanced modeling of protein sequence and biophysical properties (such as structural, functional, and spatial information, amino acid conservation, physicochemical variation, residue mobility, and thermodynamic stability) performed at Invitae indicates that this missense variant is expected to disrupt SCN10A protein function. In summary, the available evidence is currently insufficient to determine the role of this variant in disease. Therefore, it has been classified as a Variant of Uncertain Significance.